The following is an entry in ClinVar:

ClinVar aggregate classification (germline): Benign. Review status: criteria provided, multiple submitters, no conflicts (2 of 4 stars). 2 submissions from 2 submitters: Benign (2). Last evaluated 2018-06-16.

Allele frequency attached by ClinVar (database versions not stated): 1000 Genomes Project 30x 0.03482; 1000 Genomes Project 0.03534; TOPMed 0.05628; gnomAD exomes 0.07760.
gnomAD v4.1: 87,658 of 1,173,044 alleles (7.5%); highest among the groups gnomAD compares: Non-Finnish European, 9%; 3,922 homozygotes.

Submissions (2):

GeneDx
Classification: Benign. Last evaluated: 2018-06-16. Review status: criteria provided, single submitter. Criteria: GeneDx Variant Classification (06012015). Collection method: clinical testing. Allele origin: germline. Affected: yes.
Comment: This variant is considered likely benign or benign based on one or more of the following criteria: it is a conservative change, it occurs at a poorly conserved position in the protein, it is predicted to be benign by multiple in silico algorithms, and/or has population frequency not consistent with disease.

Breakthrough Genomics
Classification: Benign. Review status: criteria provided, single submitter. Criteria: ACMG Guidelines, 2015. Collection method: not provided. Allele origin: germline. Inheritance: Autosomal recessive inheritance. Affected: yes.

NM_145693.2(LPIN1):c.-69102G>A

Gene: LPIN1 (lipin 1; plus strand). Cytogenetic location: 2p25.1.
Variant type: single nucleotide variant.
Coding change: c.-69102G>A on transcript NM_145693.2; 69102 bases upstream of the start codon, G replaced by A.
Molecular consequence: 5 prime UTR variant (on NM_001261428.3).
Genome position (GRCh38, 1-based): chr2:11,677,579, G>A. VCF-style: chr2-11677579-G-A. GRCh37 (hg19) VCF-style: chr2-11817705-G-A.
Other names: c.-69G>A (NM_001261428.3, NM_001349207.2, NM_001349208.2).
Identifiers: ClinVar variation 667618 (VCV000667618.4), dbSNP rs74422146, ClinGen allele CA15170929.